The following is an entry in ClinVar:

NM_030943.4(AMN):c.1173G>A (p.Trp391Ter)

Gene: AMN (amnion associated transmembrane protein; plus strand). Cytogenetic location: 14q32.32.
Variant type: single nucleotide variant.
Coding change: c.1173G>A on transcript NM_030943.4 (MANE Select); coding-DNA position 1173, G replaced by A.
Protein change: p.Trp391Ter; replaces tryptophan 391 with a stop codon.
Molecular consequence: nonsense.
Genome position (GRCh38, 1-based): chr14:102,930,409, G>A. VCF-style: chr14-102930409-G-A. GRCh37 (hg19) VCF-style: chr14-103396746-G-A.
Other names: short protein forms W391*.
Identifiers: ClinVar variation 2628532 (VCV002628532.5), dbSNP rs1401073549, ClinGen allele CA391083620.

ClinVar aggregate classification (germline): Pathogenic/Likely pathogenic. Review status: criteria provided, multiple submitters, no conflicts (2 of 4 stars). 2 submissions from 2 submitters: Pathogenic (1); Likely pathogenic (1). Last evaluated 2025-03-06.

Conditions:
Imerslund-Grasbeck syndrome. Also called: ENTEROCYTE COBALAMIN MALABSORPTION; ENTEROCYTE INTRINSIC FACTOR RECEPTOR, DEFECT OF; PERNICIOUS ANEMIA, JUVENILE, DUE TO SELECTIVE INTESTINAL MALABSORPTION OF VITAMIN B12, WITH PROTEINURIA; Megaloblastic anemia due to inborn errors of metabolism; Imerslund-Gräsbeck syndrome. Identifiers: Orphanet 35858, MedGen C4551825, MONDO:0009853.
AMN-related disorder. Also called: AMN-related condition.

Allele frequency attached by ClinVar (database versions not stated): TOPMed 0.00001; gnomAD exomes 0.00002.
gnomAD v4.1: 12 of 1,519,068 alleles (0.00079%); highest among the groups gnomAD compares: Admixed American, 0.002%; no homozygotes.

Submissions (2):

PreventionGenetics, part of Exact Sciences
Classification: Likely pathogenic for AMN-related condition. Last evaluated: 2025-03-06. Review status: criteria provided, single submitter. Criteria: ACMG Guidelines, 2015. Collection method: clinical testing. Allele origin: germline.
Comment: The AMN c.1173G>A variant is predicted to result in premature protein termination (p.Trp391*). To our knowledge, this variant has not been reported in the literature. This variant is reported in 0.0078% of alleles in individuals of African descent in gnomAD. Nonsense variants in AMN are expected to be pathogenic, and therefore we interpret c.1173G>A (p.Trp391*) as likely pathogenic.

Labcorp Genetics (formerly Invitae), Labcorp
Classification: Pathogenic for Imerslund-Grasbeck syndrome. Last evaluated: 2024-03-25. Review status: criteria provided, single submitter. Criteria: Invitae Variant Classification Sherloc (09022015). Collection method: clinical testing. Allele origin: germline.
Comment: This sequence change creates a premature translational stop signal (p.Trp391*) in the AMN gene. It is expected to result in an absent or disrupted protein product. Loss-of-function variants in AMN are known to be pathogenic (PMID: 12590260, 22929189). This variant is present in population databases (no rsID available, gnomAD 0.008%). This variant has not been reported in the literature in individuals affected with AMN-related conditions. ClinVar contains an entry for this variant (Variation ID: 2628532). For these reasons, this variant has been classified as Pathogenic.

Literature cited by the submitters: PubMed 12590260 (cited by Labcorp Genetics (formerly Invitae), Labcorp); PubMed 22929189 (cited by Labcorp Genetics (formerly Invitae), Labcorp).